The following is an entry in ClinVar:

NM_001386298.1(CIC):c.2868C>T (p.Ser956=)

Gene: CIC (capicua transcriptional repressor; plus strand). Cytogenetic location: 19q13.2.
Variant type: single nucleotide variant.
Coding change: c.2868C>T on transcript NM_001386298.1 (MANE Select); coding-DNA position 2868, C replaced by T.
Protein change: p.Ser956=; no amino-acid change (serine 956 retained).
Molecular consequence: synonymous variant.
Genome position (GRCh38, 1-based): chr19:42,286,844, C>T. VCF-style: chr19-42286844-C-T. GRCh37 (hg19) VCF-style: chr19-42790996-C-T.
Other names: c.2868C>T, p.Ser956= (NM_001304815.2, NM_001379480.1, NM_001379482.1 and 6 more transcripts); c.141C>T, p.Ser47= (NM_001379484.1, NM_001379485.1, NM_001439189.1 and 3 more transcripts).
Identifiers: ClinVar variation 5038464 (VCV005038464.1).

ClinVar aggregate classification (germline): Likely benign (1 of 4 stars; one submission).

gnomAD v4.1: 27 of 1,613,750 alleles (0.0017%); highest among the groups gnomAD compares: Admixed American, 0.032%; no homozygotes.

Submission:

CeGaT Center for Human Genetics Tuebingen
Classification: Likely benign. Last evaluated: 2026-06-01. Review status: criteria provided, single submitter. Criteria: CeGaT Center For Human Genetics Tuebingen Variant Classification Criteria Version 2. Collection method: clinical testing. Allele origin: germline. Affected: yes. Observed: 1 variant allele.
Comment: CIC: BP4, BP7